The following is an entry in ClinVar:

ClinVar aggregate classification (germline): Uncertain significance (1 of 4 stars; one submission).

Conditions:
Charcot-Marie-Tooth disease type 4. Also called: Charcot-Marie-Tooth, Type 4; Charcot-Marie-Tooth disease, type IV. Identifiers: Orphanet 64749, MedGen C4082197, MONDO:0018995.

Allele frequency attached by ClinVar (database versions not stated): gnomAD exomes below 0.00001 and 0.00002; ExAC 0.00001; gnomAD 0.00001; TOPMed 0.00001.
gnomAD v4.1: 9 of 1,614,004 alleles (0.00056%); highest among the groups gnomAD compares: Admixed American, 0.0033%; no homozygotes.

Submission:

Labcorp Genetics (formerly Invitae), Labcorp
Classification: Uncertain significance for Charcot-Marie-Tooth disease type 4. Last evaluated: 2022-07-23. Review status: criteria provided, single submitter. Criteria: Invitae Variant Classification Sherloc (09022015). Collection method: clinical testing. Allele origin: germline.
Comment: This variant has not been reported in the literature in individuals affected with SBF2-related conditions. In summary, the available evidence is currently insufficient to determine the role of this variant in disease. Therefore, it has been classified as a Variant of Uncertain Significance. Algorithms developed to predict the effect of missense changes on protein structure and function output the following: SIFT: "Tolerated"; PolyPhen-2: "Benign"; Align-GVGD: "Class C0". The glutamine amino acid residue is found in multiple mammalian species, which suggests that this missense change does not adversely affect protein function. ClinVar contains an entry for this variant (Variation ID: 656959). This variant is present in population databases (rs770439158, gnomAD 0.006%). This sequence change replaces arginine, which is basic and polar, with glutamine, which is neutral and polar, at codon 1618 of the SBF2 protein (p.Arg1618Gln).

NM_030962.4(SBF2):c.4853G>A (p.Arg1618Gln)

Genes: SBF2 (SET binding factor 2; minus strand), SBF2-AS1 (SBF2 antisense RNA 1; plus strand), LOC105369149 (uncharacterized LOC105369149; plus strand). Cytogenetic location: 11p15.4.
Variant type: single nucleotide variant.
Coding change: c.4853G>A on transcript NM_030962.4 (MANE Select); coding-DNA position 4853, G replaced by A.
Protein change: p.Arg1618Gln; replaces arginine 1618 with glutamine.
Molecular consequence: missense variant.
Genome position (GRCh38, 1-based): chr11:9,789,188, C>T on the plus strand (G>A on the coding strand, the complement: SBF2 is on the minus strand). VCF-style: chr11-9789188-C-T. GRCh37 (hg19) VCF-style: chr11-9810735-C-T.
Other names: c.4949G>A, p.Arg1650Gln (NM_001386339.1); c.4724G>A, p.Arg1575Gln (NM_001386342.1); short protein forms R1618Q, R1575Q, R1650Q.
Identifiers: ClinVar variation 656959 (VCV000656959.9), dbSNP rs770439158, ClinGen allele CA5880879.